The following is an entry in ClinVar:

NC_012920.1(MT-CO2):m.7698T>C

Gene: MT-CO2 (mitochondrially encoded cytochrome c oxidase II; plus strand).
Variant type: single nucleotide variant.
Genome position: chrM-7698-T-C.
Identifiers: ClinVar variation 692763 (VCV000692763.1), dbSNP rs1603221090, ClinGen allele CA414793357.

ClinVar aggregate classification (germline): Uncertain significance (1 of 4 stars; one submission).

Conditions:
Leigh syndrome (NULS). Also called: Leigh's necrotizing encephalopathy; Leigh's disease; Leigh Syndrome (mtDNA deletion); Leigh Disease; Subacute necrotizing encephalopathy; Necrotizing encephalopathy infantile subacute of Leigh. Identifiers: Orphanet 506, MedGen C2931891, MONDO:0009723, OMIM 256000.

Submission:

Wong Mito Lab, Molecular and Human Genetics, Baylor College of Medicine
Classification: Uncertain significance for Leigh syndrome. Last evaluated: 2019-10-17. Review status: criteria provided, single submitter. Criteria: Modified ACMG Guidelines (Unpublished). Collection method: clinical testing. Allele origin: germline.
Comment: The NC_012920.1:m.7698T>C (YP_003024029.1:p.Val38Ala) variant in MTCO2 gene is interpretated to be a Uncertain Significance variant based on the modified ACMG guidelines (unpublished). This variant meets the following evidence codes: PP3, BP5